The following is an entry in ClinVar:

NM_000219.6(KCNE1):c.365T>G (p.Leu122Arg)

Gene: KCNE1 (potassium voltage-gated channel subfamily E regulatory subunit 1; minus strand). Cytogenetic location: 21q22.12.
Variant type: single nucleotide variant.
Coding change: c.365T>G on transcript NM_000219.6 (MANE Select); coding-DNA position 365, T replaced by G.
Protein change: p.Leu122Arg; replaces leucine 122 with arginine.
Molecular consequence: missense variant.
Genome position (GRCh38, 1-based): chr21:34,449,270, A>C on the plus strand (T>G on the coding strand, the complement: KCNE1 is on the minus strand). VCF-style: chr21-34449270-A-C. GRCh37 (hg19) VCF-style: chr21-35821568-A-C.
Other names: c.365T>G, p.Leu122Arg (NM_001127668.4, NM_001127669.4, NM_001127670.4 and 4 more transcripts); short protein forms L122R.
Identifiers: ClinVar variation 3373828 (VCV003373828.2).
Genomic context (GRCh38, chr21:34,449,270, plus strand): 5'-GGCAGGATGTGTCCAGTTTTAGCCAGTGGTGGGGTTCATGGGGAAGGCTTCGTCTCAGGA[A>C]GGTGTGTGTTGGGTTGTTCTATGGCCAGATGGTTTTCAACGACATAGCACGACCTGTAGC-3'
Protein context (NP_000210.2, residues 112-129): HLAIEQPNTH[Leu122Arg]PETKPSP

Conditions:
Long QT syndrome 5 (LQT5). Identifiers: Orphanet 101016, Orphanet 768, MedGen C1867904, MONDO:0013372, OMIM 613695.

Submission:

Roden Lab, Vanderbilt University Medical Center
No classification provided (evidence only). Condition: Long QT syndrome 5. Review status: no classification provided. Collection method: in vitro. Allele origin: not applicable. Functional consequence: Effect on ion channel function.
ClinVar note: "not provided" was previously submitted as the classification for the variant. However, the classification appeared to be based only on an observation of functional data so it was converted to no classification on 2025-07-30.